The following is an entry in ClinVar:

ClinVar aggregate classification (germline): Uncertain significance. Review status: criteria provided, multiple submitters, no conflicts (2 of 4 stars). 3 submissions from 3 submitters: Uncertain significance (3). Last evaluated 2023-07-29.

Allele frequency attached by ClinVar (database versions not stated): ExAC 0.00001; gnomAD exomes 0.00001 and 0.00004; gnomAD 0.00002; ESP Exome Variant Server 0.00008.
gnomAD v4.1: 58 of 1,614,040 alleles (0.0036%); highest among the groups gnomAD compares: Non-Finnish European, 0.0049%; no homozygotes.

Submissions (3):

Revvity Omics, Revvity
Classification: Uncertain significance. Last evaluated: 2023-07-29. Review status: criteria provided, single submitter. Criteria: ACMG Guidelines, 2015. Collection method: clinical testing. Allele origin: germline.

Labcorp Genetics (formerly Invitae), Labcorp
Classification: Uncertain significance. Last evaluated: 2021-02-26. Review status: criteria provided, single submitter. Criteria: Invitae Variant Classification Sherloc (09022015). Collection method: clinical testing. Allele origin: germline.
Comment: This variant is present in population databases (rs374317713, ExAC 0.001%). This variant has not been reported in the literature in individuals with FAT4-related conditions. Advanced modeling of protein sequence and biophysical properties (such as structural, functional, and spatial information, amino acid conservation, physicochemical variation, residue mobility, and thermodynamic stability) performed at Invitae indicates that this missense variant is not expected to disrupt FAT4 protein function. In summary, the available evidence is currently insufficient to determine the role of this variant in disease. Therefore, it has been classified as a Variant of Uncertain Significance. This sequence change replaces leucine with phenylalanine at codon 1491 of the FAT4 protein (p.Leu1491Phe). The leucine residue is highly conserved and there is a small physicochemical difference between leucine and phenylalanine.

GeneDx
Classification: Uncertain significance. Last evaluated: 2019-05-02. Review status: criteria provided, single submitter. Criteria: GeneDx Variant Classification Process June 2021. Collection method: clinical testing. Allele origin: germline. Affected: yes.
Comment: Not observed at a significant frequency in large population cohorts (Lek et al., 2016); In silico analysis, which includes protein predictors and evolutionary conservation, supports that this variant does not alter protein structure/function

NM_001291303.3(FAT4):c.4471C>T (p.Leu1491Phe)

Gene: FAT4 (FAT atypical cadherin 4; plus strand). Cytogenetic location: 4q28.1.
Variant type: single nucleotide variant.
Coding change: c.4471C>T on transcript NM_001291303.3 (MANE Select); coding-DNA position 4471, C replaced by T.
Protein change: p.Leu1491Phe; replaces leucine 1491 with phenylalanine.
Molecular consequence: missense variant.
Genome position (GRCh38, 1-based): chr4:125,320,882, C>T. VCF-style: chr4-125320882-C-T. GRCh37 (hg19) VCF-style: chr4-126242037-C-T.
Other names: c.4471C>T, p.Leu1491Phe (NM_001291285.3, NM_024582.6); short protein forms L1491F.
Identifiers: ClinVar variation 1303572 (VCV001303572.10), dbSNP rs374317713, ClinGen allele CA3072469.